The following is an entry in ClinVar:

ClinVar aggregate classification (germline): Uncertain significance. Review status: criteria provided, multiple submitters, no conflicts (2 of 4 stars). 2 submissions from 2 submitters: Uncertain significance (2). Last evaluated 2025-04-12.

gnomAD v4.1: 36 of 1,385,682 alleles (0.0026%); highest among the groups gnomAD compares: Non-Finnish European, 0.0033%; no homozygotes.

Submissions (2):

Ambry Genetics
Classification: Uncertain significance. Last evaluated: 2025-04-12. Review status: criteria provided, single submitter. Criteria: Ambry Variant Classification Scheme 2023. Collection method: clinical testing. Allele origin: germline.

Labcorp Genetics (formerly Invitae), Labcorp
Classification: Uncertain significance. Last evaluated: 2024-09-05. Review status: criteria provided, single submitter. Criteria: Invitae Variant Classification Sherloc (09022015). Collection method: clinical testing. Allele origin: germline.
Comment: This sequence change replaces proline, which is neutral and non-polar, with leucine, which is neutral and non-polar, at codon 782 of the SYNPO protein (p.Pro782Leu). This variant is not present in population databases (gnomAD no frequency). This variant has not been reported in the literature in individuals affected with SYNPO-related conditions. An algorithm developed to predict the effect of missense changes on protein structure and function (PolyPhen-2) suggests that this variant is likely to be tolerated. In summary, the available evidence is currently insufficient to determine the role of this variant in disease. Therefore, it has been classified as a Variant of Uncertain Significance.

NM_007286.6(SYNPO):c.2345C>T (p.Pro782Leu)

Gene: SYNPO (synaptopodin; plus strand). Cytogenetic location: 5q33.1.
Variant type: single nucleotide variant.
Coding change: c.2345C>T on transcript NM_007286.6 (MANE Select); coding-DNA position 2345, C replaced by T.
Protein change: p.Pro782Leu; replaces proline 782 with leucine.
Molecular consequence: missense variant.
Genome position (GRCh38, 1-based): chr5:150,656,720, C>T. VCF-style: chr5-150656720-C-T. GRCh37 (hg19) VCF-style: chr5-150036282-C-T.
Other names: c.2345C>T (NM_007286.5); short protein forms P782L.
Identifiers: ClinVar variation 3698942 (VCV003698942.3).
Genomic context (GRCh38, chr5:150,656,720, plus strand): 5'-TCAATGCGGCCCGGCGCAAGAGCGCCTCCCCGCGGTCGGCGGGCGCCGAGAACCCGCGGC[C>T]CTTCTCCCCGCCGAGGGCGCCACCGCCCCCGCCCCCGCCCCCGCCCCCGCCCCCGCGCAT-3'
Protein context (NP_009217.3, residues 772-792): PRSAGAENPR[Pro782Leu]FSPPRAPPPP